The following is an entry in ClinVar:

ClinVar aggregate classification (germline): Uncertain significance (1 of 4 stars; one submission).

gnomAD v4.1: 1 of 1,614,210 alleles (0.000062%); no homozygotes.

Submission:

GeneDx
Classification: Uncertain significance. Last evaluated: 2019-06-17. Review status: criteria provided, single submitter. Criteria: GeneDx Variant Classification Process June 2021. Collection method: clinical testing. Allele origin: germline. Affected: yes.
Comment: Not observed in large population cohorts (Lek et al., 2016); In silico analysis, which includes protein predictors and evolutionary conservation, supports a deleterious effect; Has not been previously published as pathogenic or benign to our knowledge

NM_001288705.3(CSF1R):c.2485G>C (p.Asp829His)

Gene: CSF1R (colony stimulating factor 1 receptor; minus strand). Cytogenetic location: 5q32.
Variant type: single nucleotide variant.
Coding change: c.2485G>C on transcript NM_001288705.3 (MANE Select); coding-DNA position 2485, G replaced by C.
Protein change: p.Asp829His; replaces aspartic acid 829 with histidine.
Molecular consequence: missense variant. On other transcripts: non-coding transcript variant (2).
Genome position (GRCh38, 1-based): chr5:150,056,095, C>G on the plus strand (G>C on the coding strand, the complement: CSF1R is on the minus strand). VCF-style: chr5-150056095-C-G. GRCh37 (hg19) VCF-style: chr5-149435658-C-G.
Other names: c.2485G>C, p.Asp829His (NM_001349736.2, NM_001375320.1, NM_005211.4); c.2041G>C, p.Asp681His (NM_001375321.1); short protein forms D681H, D829H.
Identifiers: ClinVar variation 1306411 (VCV001306411.2), dbSNP rs1757202089, ClinGen allele CA361758493.